The following is an entry in ClinVar:

ClinVar aggregate classification (germline): Uncertain significance. Review status: criteria provided, multiple submitters, no conflicts (2 of 4 stars). 2 submissions from 2 submitters: Uncertain significance (2). Last evaluated 2022-11-16.

Conditions:
Hereditary cancer-predisposing syndrome. Also called: Hereditary neoplastic syndrome; Neoplastic Syndromes, Hereditary; Tumor predisposition; Hereditary Cancer Syndrome. Identifiers: Orphanet 140162, MedGen C0027672, MeSH D009386, MONDO:0015356.
Retinoblastoma (RB1). Also called: RETINOBLASTOMA, SOMATIC. Identifiers: Orphanet 790, MedGen C0035335, MeSH D012175, MONDO:0008380, OMIM 180200, HP:0009919. Disease mechanism: loss of function. Inheritance: Both sporadic and heritable forms are tested..

Submissions (2):

Labcorp Genetics (formerly Invitae), Labcorp
Classification: Uncertain significance for Retinoblastoma. Last evaluated: 2022-11-16. Review status: criteria provided, single submitter. Criteria: Invitae Variant Classification Sherloc (09022015). Collection method: clinical testing. Allele origin: germline.
Comment: In summary, the available evidence is currently insufficient to determine the role of this variant in disease. Therefore, it has been classified as a Variant of Uncertain Significance. Algorithms developed to predict the effect of missense changes on protein structure and function (SIFT, PolyPhen-2, Align-GVGD) all suggest that this variant is likely to be tolerated. ClinVar contains an entry for this variant (Variation ID: 1508233). This variant has not been reported in the literature in individuals affected with RB1-related conditions. This variant is not present in population databases (gnomAD no frequency). This sequence change replaces glutamic acid, which is acidic and polar, with glycine, which is neutral and non-polar, at codon 48 of the RB1 protein (p.Glu48Gly).

Ambry Genetics
Classification: Uncertain significance for Hereditary cancer-predisposing syndrome. Last evaluated: 2022-07-15. Review status: criteria provided, single submitter. Criteria: Ambry Variant Classification Scheme 2023. Collection method: clinical testing. Allele origin: germline.
Comment: The p.E48G variant (also known as c.143A>G), located in coding exon 2 of the RB1 gene, results from an A to G substitution at nucleotide position 143. The glutamic acid at codon 48 is replaced by glycine, an amino acid with similar properties. This amino acid position is conserved. In addition, the in silico prediction for this alteration is inconclusive. Since supporting evidence is limited at this time, the clinical significance of this alteration remains unclear.

NM_000321.3(RB1):c.143A>G (p.Glu48Gly)

Gene: RB1 (RB transcriptional corepressor 1; plus strand). Cytogenetic location: 13q14.2.
Variant type: single nucleotide variant.
Coding change: c.143A>G on transcript NM_000321.3 (MANE Select); coding-DNA position 143, A replaced by G.
Protein change: p.Glu48Gly; replaces glutamic acid 48 with glycine.
Molecular consequence: missense variant.
Genome position (GRCh38, 1-based): chr13:48,307,285, A>G. VCF-style: chr13-48307285-A-G. GRCh37 (hg19) VCF-style: chr13-48881421-A-G.
Other names: short protein forms E48G.
Identifiers: ClinVar variation 1508233 (VCV001508233.10), dbSNP rs2138033826, ClinGen allele CA388250431.
Genomic context (GRCh38, chr13:48,307,285, plus strand): 5'-GAATCAATTTGATTTATAAGTATATGCCAATTATATGATTATTTTCATTTGGTAGGCTTG[A>G]GTTTGAAGAAACAGAAGAACCTGATTTTACTGCATTATGTCAGAAATTAAAGATACCAGA-3'
Protein context (NP_000312.2, residues 38-58): GPEDLPLVRL[Glu48Gly]FEETEEPDFT